The following is an entry in ClinVar:

NM_001034853.2(RPGR):c.294C>T (p.His98=)

Gene: RPGR (retinitis pigmentosa GTPase regulator; minus strand). Cytogenetic location: Xp11.4.
Variant type: single nucleotide variant.
Coding change: c.294C>T on transcript NM_001034853.2 (MANE Select); coding-DNA position 294, C replaced by T.
Protein change: p.His98=; no amino-acid change (histidine 98 retained).
Molecular consequence: synonymous variant. On other transcripts: non-coding transcript variant (6).
Genome position (GRCh38, 1-based): chrX:38,321,043, G>A on the plus strand (C>T on the coding strand, the complement: RPGR is on the minus strand). VCF-style: chrX-38321043-G-A. GRCh37 (hg19) VCF-style: chrX-38180296-G-A.
Other names: NM_001034853.2(RPGR):c.294C>T; p.His98=; c.294C>T, p.His98= (NM_000328.3, NM_001367245.1, NM_001367246.1 and 4 more transcripts); c.324C>T, p.His108= (NM_001367248.1).
Identifiers: ClinVar variation 1798025 (VCV001798025.8), dbSNP rs62638636, ClinGen allele CA10385692.

ClinVar aggregate classification (germline): Likely benign. Review status: reviewed by expert panel (3 of 4 stars). 3 submissions from 3 submitters: Likely benign (1). 2 of the submissions do not count toward it. Last evaluated 2026-11-20.

Conditions:
Primary ciliary dyskinesia. Also called: Ciliary dyskinesia. Identifiers: Orphanet 244, MedGen C0008780, MONDO:0016575, HP:0012265.
RPGR-related retinopathy. Also called: RPGR retinopathy. Identifiers: MedGen CN305589, MONDO:0100437.

Allele frequency attached by ClinVar (database versions not stated): ExAC 0.00002; gnomAD 0.00003; TOPMed 0.00007; gnomAD exomes 0.00001.
gnomAD v4.1: 12 of 1,204,564 alleles (0.001%); highest among the groups gnomAD compares: African/African-American, 0.012%; no homozygotes.

Submissions (3):

ClinGen X-linked Inherited Retinal Disease Variant Curation Expert Panel, ClinGen
Classification: Likely benign for RPGR-related retinopathy. Last evaluated: 2026-11-20. Review status: reviewed by expert panel. Criteria: ClinGen X LinkedIRD ACMG Specifications RPGR V1.0.0. Collection method: curation. Allele origin: germline. Inheritance: X-linked inheritance.
Comment: The NM_001034853.2(RPGR):c.294C>T (p.His98=) is a silent variant at codon 98 that does not have an impact on splicing sites, according to Splice AI, which predicts a delta score of 0.09 for all splicing types, which is below the ClinGen X-linked IRD VCEP recommended threshold of <0.1 and does not strongly predict an impact on splicing (BP7, BP4). This variant is present in gnomAD v.4.1.2 at a frequency of 0.000005096 among hemizygous individuals, with 2 variant alleles / 392462 total hemizygous alleles, which is higher than the ClinGen X-linked IRD VCEP BS1 threshold of > 0.000005 (BS1). In summary, this variant is classified as likely benign for RPGR-related retinopathy based on the ClinGen X-linked Inherited Retinal Disease Expert Panel Specifications to the ACMG/AMP Variant Interpretation Guidelines for RPGR, Version 1.0.0, using the following evidence codes: BS1, BP4, and BP7.

Labcorp Genetics (formerly Invitae), Labcorp
Classification: Likely benign for Primary ciliary dyskinesia. Last evaluated: 2025-08-28. Review status: criteria provided, single submitter. Criteria: Invitae Variant Classification Sherloc (09022015). Collection method: clinical testing. Allele origin: germline. Not counted in ClinVar's aggregate classification.

Ambry Genetics
Classification: Likely benign for Primary ciliary dyskinesia. Last evaluated: 2014-09-26. Review status: criteria provided, single submitter. Criteria: Ambry Variant Classification Scheme 2023. Collection method: clinical testing. Allele origin: germline. Not counted in ClinVar's aggregate classification.